The following is an entry in ClinVar:

NM_018706.7(DHTKD1):c.652ATT[1] (p.Ile219del)

Gene: DHTKD1 (dehydrogenase E1 and transketolase domain containing 1; plus strand). Cytogenetic location: 10p14.
Variant type: Microsatellite.
Coding change: c.652ATT[1] on transcript NM_018706.7 (MANE Select); one copy of the 3-base unit ATT starting at c.652; the reference has two copies in a row; one copy, 3 bases deleted.
Protein change: p.Ile219del; deletes isoleucine 219.
Molecular consequence: inframe deletion.
Genome position (GRCh38, 1-based): chr10:12,087,667-12,087,669, ATT deleted; deleting any 3 consecutive bases within chr10:12,087,664-12,087,669 gives the same sequence; the position shown is the placement nearest the transcript's 3' end. VCF-style (leftmost placement, unchanged base first): chr10-12087663-CATT-C. GRCh37 (hg19) VCF-style: chr10-12129662-CATT-C.
Other names: short protein forms I219del.
Identifiers: ClinVar variation 4712199 (VCV004712199.1).

ClinVar aggregate classification (germline): Uncertain significance (1 of 4 stars; one submission).

Conditions:
2-aminoadipic 2-oxoadipic aciduria (AAKAD). Also called: ALPHA-AMINOADIPIC AND ALPHA-KETOADIPIC ACIDURIA; Aminoadipic aciduria. Identifiers: Orphanet 79154, MedGen C1859817, MONDO:0008774, OMIM 204750.

Submission:

Labcorp Genetics (formerly Invitae), Labcorp
Classification: Uncertain significance for 2-aminoadipic 2-oxoadipic aciduria. Last evaluated: 2025-02-10. Review status: criteria provided, single submitter. Criteria: Invitae Variant Classification Sherloc (09022015). Collection method: clinical testing. Allele origin: germline.
Comment: This variant, c.655_657del, results in the deletion of 1 amino acid(s) of the DHTKD1 protein (p.Ile219del), but otherwise preserves the integrity of the reading frame. This variant is not present in population databases (gnomAD no frequency). This variant has not been reported in the literature in individuals affected with DHTKD1-related conditions. Experimental studies and prediction algorithms are not available or were not evaluated, and the functional significance of this variant is currently unknown. In summary, the available evidence is currently insufficient to determine the role of this variant in disease. Therefore, it has been classified as a Variant of Uncertain Significance.